The following is an entry in ClinVar:

NM_001206744.2(TPO):c.962C>A (p.Thr321Asn)

Gene: TPO (thyroid peroxidase; plus strand). Cytogenetic location: 2p25.3.
Variant type: single nucleotide variant.
Coding change: c.962C>A on transcript NM_001206744.2 (MANE Select); coding-DNA position 962, C replaced by A.
Protein change: p.Thr321Asn; replaces threonine 321 with asparagine.
Molecular consequence: missense variant. On other transcripts: intron variant (1).
Genome position (GRCh38, 1-based): chr2:1,477,228, C>A. VCF-style: chr2-1477228-C-A. GRCh37 (hg19) VCF-style: chr2-1481000-C-A.
Other names: c.962C>A, p.Thr321Asn (NM_000547.6, NM_001206745.2, NM_175719.4 and 1 more transcripts); c.820-7368C>A (NM_175722.3); short protein forms T321N.
Identifiers: ClinVar variation 4687844 (VCV004687844.1).

ClinVar aggregate classification (germline): Uncertain significance (1 of 4 stars; one submission).

Submission:

Women's Health and Genetics/Laboratory Corporation of America, LabCorp
Classification: Uncertain significance. Last evaluated: 2025-10-30. Review status: criteria provided, single submitter. Criteria: LabCorp Variant Classification Summary - May 2015. Collection method: clinical testing. Allele origin: germline.
Comment: Variant summary: TPO c.962C>A (p.Thr321Asn) results in a non-conservative amino acid change in the encoded protein sequence. Algorithms developed to predict the effect of missense changes on protein structure and function all suggest that this variant is likely to be disruptive. The variant was absent in 238444 control chromosomes. c.962C>A has been observed in individuals in one family affected with Deficiency Of Iodide Peroxidase (Furman_2021). These data indicate that the variant may be associated with disease. To our knowledge, no experimental evidence demonstrating an impact on protein function has been reported. The following publication have been ascertained in the context of this evaluation (PMID: 34128397). No submitters have cited clinical-significance assessments for this variant to ClinVar. Based on the evidence outlined above, the variant was classified as VUS-possibly pathogenic.

Literature cited by the submitters: PubMed 34128397.